The following is an entry in ClinVar:

ClinVar aggregate classification (germline): Uncertain significance (1 of 4 stars; one submission).

Conditions:
Autosomal recessive limb-girdle muscular dystrophy type 2J (LGMDR10). Also called: Limb-girdle muscular dystrophy, type 2J; MUSCULAR DYSTROPHY, LIMB-GIRDLE, AUTOSOMAL RECESSIVE 10. Identifiers: Orphanet 140922, MedGen C1837342, MONDO:0012127, OMIM 608807.
Dilated cardiomyopathy 1G (CMD1G). Identifiers: Orphanet 154, MedGen C1858763, MONDO:0011400, OMIM 604145.

Submission:

Labcorp Genetics (formerly Invitae), Labcorp
Classification: Uncertain significance for Dilated cardiomyopathy 1G; Autosomal recessive limb-girdle muscular dystrophy type 2J. Last evaluated: 2024-09-11. Review status: criteria provided, single submitter. Criteria: Invitae Variant Classification Sherloc (09022015). Collection method: clinical testing. Allele origin: germline.
Comment: This sequence change replaces glycine, which is neutral and non-polar, with glutamic acid, which is acidic and polar, at codon 35166 of the TTN protein (p.Gly35166Glu). This variant is not present in population databases (gnomAD no frequency). This variant has not been reported in the literature in individuals affected with TTN-related conditions. ClinVar contains an entry for this variant (Variation ID: 2023530). Experimental studies and prediction algorithms are not available or were not evaluated, and the functional significance of this variant is currently unknown. This variant is located in the M band of TTN (PMID: 25589632). Non-truncating variants in this region may be relevant for neuromuscular disorders, but have not been definitively shown to cause cardiomyopathy (PMID: 23975875). In summary, the available evidence is currently insufficient to determine the role of this variant in disease. Therefore, it has been classified as a Variant of Uncertain Significance.

Literature cited by the submitters: PubMed 25589632; PubMed 23975875.

NM_001267550.2(TTN):c.105497G>A (p.Gly35166Glu)

Genes: TTN (titin; minus strand), TTN-AS1 (TTN antisense RNA 1; plus strand), LOC129935184 (ATAC-STARR-seq lymphoblastoid active region 16809; plus strand). Cytogenetic location: 2q31.2.
Variant type: single nucleotide variant.
Coding change: c.105497G>A on transcript NM_001267550.2 (MANE Select); coding-DNA position 105497, G replaced by A.
Protein change: p.Gly35166Glu; replaces glycine 35166 with glutamic acid.
Molecular consequence: missense variant.
Genome position (GRCh38, 1-based): chr2:178,531,118, C>T on the plus strand (G>A on the coding strand, the complement: TTN is on the minus strand). VCF-style: chr2-178531118-C-T. GRCh37 (hg19) VCF-style: chr2-179395845-C-T.
Other names: c.100574G>A, p.Gly33525Glu (NM_001256850.1); c.78302G>A, p.Gly26101Glu (NM_003319.4); c.97793G>A, p.Gly32598Glu (NM_133378.4); c.78677G>A, p.Gly26226Glu (NM_133432.3); c.78878G>A, p.Gly26293Glu (NM_133437.4); short protein forms G26226E, G33525E, G26101E, G35166E, G26293E, G32598E.
Identifiers: ClinVar variation 2023530 (VCV002023530.4), dbSNP rs1060500538, ClinGen allele CA349408654.